The following is an entry in ClinVar:

NM_002430.3(MN1):c.2287G>A (p.Val763Met)

Gene: MN1 (MN1 proto-oncogene, transcriptional regulator; minus strand). Cytogenetic location: 22q12.1.
Variant type: single nucleotide variant.
Coding change: c.2287G>A on transcript NM_002430.3 (MANE Select); coding-DNA position 2287, G replaced by A.
Protein change: p.Val763Met; replaces valine 763 with methionine.
Molecular consequence: missense variant.
Genome position (GRCh38, 1-based): chr22:27,798,257, C>T on the plus strand (G>A on the coding strand, the complement: MN1 is on the minus strand). VCF-style: chr22-27798257-C-T. GRCh37 (hg19) VCF-style: chr22-28194245-C-T.
Other names: short protein forms V763M.
Identifiers: ClinVar variation 3250473 (VCV003250473.2), dbSNP rs756889884.

ClinVar aggregate classification (germline): Uncertain significance (1 of 4 stars; one submission).

Conditions:
CEBALID syndrome (CEBALID). Also called: CRANIOFACIAL DEFECTS, DYSMORPHIC EARS, STRUCTURAL BRAIN ABNORMALITIES, EXPRESSIVE LANGUAGE DELAY, AND IMPAIRED INTELLECTUAL DEVELOPMENT; MN1 C-TERMINAL TRUNCATION SYNDROME. Identifiers: Orphanet 693549, MedGen C5394044, MONDO:0032908, OMIM 618774.

gnomAD v4.1: 1 of 1,526,144 alleles (0.000066%); no homozygotes.

Submission:

Unité De Génétique Médicale, Université Saint Joseph
Classification: Uncertain significance for CEBALID syndrome. Review status: criteria provided, single submitter. Criteria: ACMG Guidelines, 2015. Collection method: clinical testing. Allele origin: de novo. Inheritance: Autosomal dominant inheritance. Affected: yes. Observed: 1 heterozygote.
Comment: The MN1 variant c.2287G>A p.(Val763Met) causes an amino acid change from Valine to Methionine at position 763. Pathogenic variants in MN1 gene are associated with meningioma and CEBALID syndrome, autosomal dominant disorders. In silico parameters predicts this variant to be Possibly damaging (PolyPhen) and Deleterious (SIFT). This variant is absent from ClinVar and to our current knowledge has not been reported in an individual with CEBALID syndrome in the literature. The clinical significance of the c.2287G>A p.(Val763Met) variant remains unclear due to lack of compelling evidence for its pathogenicity.